The following is an entry in ClinVar:

ClinVar aggregate classification (germline): Uncertain significance (1 of 4 stars; one submission).

gnomAD v4.1: 1 of 1,614,160 alleles (0.000062%); highest among the groups gnomAD compares: Non-Finnish European, 0.000085%; no homozygotes.

Submission:

GeneDx
Classification: Uncertain significance. Last evaluated: 2026-04-11. Review status: criteria provided, single submitter. Criteria: GeneDx Variant Classification Process June 2021. Collection method: clinical testing. Allele origin: germline.
Comment: Not observed at significant frequency in large population cohorts (gnomAD); In silico analysis suggests that this missense variant does not alter protein structure/function; Has not been previously published as pathogenic or benign to our knowledge; This variant is associated with the following publications: (PMID: 16227997)

NM_001005361.3(DNM2):c.1082G>A (p.Arg361Gln)

Gene: DNM2 (dynamin 2; plus strand). Cytogenetic location: 19p13.2.
Variant type: single nucleotide variant.
Coding change: c.1082G>A on transcript NM_001005361.3 (MANE Select); coding-DNA position 1082, G replaced by A.
Protein change: p.Arg361Gln; replaces arginine 361 with glutamine.
Molecular consequence: missense variant.
Genome position (GRCh38, 1-based): chr19:10,793,809, G>A. VCF-style: chr19-10793809-G-A. GRCh37 (hg19) VCF-style: chr19-10904485-G-A.
Other names: c.1082G>A, p.Arg361Gln (NM_001005360.3, NM_001005362.3, NM_001190716.2 and 1 more transcripts); short protein forms R361Q.
Identifiers: ClinVar variation 5036972 (VCV005036972.1).
Genomic context (GRCh38, chr19:10,793,809, plus strand): 5'-AGAAGAGGATCGAGGGCTCAGGAGATCAGGTGGACACTCTGGAGCTCTCCGGGGGCGCCC[G>A]AATCAATCGCATCTTCCACGAGCGGTTCCCATTTGAGCTGGTGAAGGTAGTGCCCCCCGG-3'
Protein context (NP_001005361.1, residues 351-371): VDTLELSGGA[Arg361Gln]INRIFHERFP